The following is an entry in ClinVar:

NM_004370.6(COL12A1):c.3227T>C (p.Leu1076Pro)

Gene: COL12A1 (collagen type XII alpha 1 chain; minus strand). Cytogenetic location: 6q13.
Variant type: single nucleotide variant.
Coding change: c.3227T>C on transcript NM_004370.6 (MANE Select); coding-DNA position 3227, T replaced by C.
Protein change: p.Leu1076Pro; replaces leucine 1076 with proline.
Molecular consequence: missense variant. On other transcripts: intron variant (2).
Genome position (GRCh38, 1-based): chr6:75,156,280, A>G on the plus strand (T>C on the coding strand, the complement: COL12A1 is on the minus strand). VCF-style: chr6-75156280-A-G. GRCh37 (hg19) VCF-style: chr6-75865996-A-G.
Other names: c.3227T>C, p.Leu1076Pro (NM_001424113.1, NM_001424114.1); c.2954T>C, p.Leu985Pro (NM_001424115.1); c.74-3798T>C (NM_001424116.1, NM_080645.3); short protein forms L1076P, L985P.
Identifiers: ClinVar variation 4782672 (VCV004782672.1).
Genomic context (GRCh38, chr6:75,156,280, plus strand): 5'-CTTCTCTCCCCCTCAAAATATAATTATTATTTCATACCTGTTGTTCCTGATCCTTGCCTA[A>G]GCTTTCCTTCTCCCATCTTGTAAATAGGAAGAACTGTGATGTCATATGTGGTCTGTGGCT-3'
Protein context (NP_004361.3, residues 1066-1086): LPIYKMGEGK[Leu1076Pro]RQGSGTTASR

ClinVar aggregate classification (germline): Uncertain significance (1 of 4 stars; one submission).

Conditions:
Ullrich congenital muscular dystrophy 2 (UCMD2). Identifiers: Orphanet 75840, MedGen C4225314, MONDO:0014654, OMIM 616470.
Bethlem myopathy 2 (BTHLM2). Identifiers: Orphanet 536516, Orphanet 610, MedGen C4225313, MONDO:0034022, OMIM 616471.

Submission:

Labcorp Genetics (formerly Invitae), Labcorp
Classification: Uncertain significance for Bethlem myopathy 2; Ullrich congenital muscular dystrophy 2. Last evaluated: 2025-05-16. Review status: criteria provided, single submitter. Criteria: Invitae Variant Classification Sherloc (09022015). Collection method: clinical testing. Allele origin: germline.
Comment: This sequence change replaces leucine, which is neutral and non-polar, with proline, which is neutral and non-polar, at codon 1076 of the COL12A1 protein (p.Leu1076Pro). This variant is not present in population databases (gnomAD no frequency). This variant has not been reported in the literature in individuals affected with COL12A1-related conditions. Invitae Evidence Modeling of protein sequence and biophysical properties (such as structural, functional, and spatial information, amino acid conservation, physicochemical variation, residue mobility, and thermodynamic stability) indicates that this missense variant is not expected to disrupt COL12A1 protein function with a negative predictive value of 80%. In summary, the available evidence is currently insufficient to determine the role of this variant in disease. Therefore, it has been classified as a Variant of Uncertain Significance.